The following is an entry in ClinVar:

NM_001759.4(CCND2):c.559C>G (p.Leu187Val)

Gene: CCND2 (cyclin D2; plus strand). Cytogenetic location: 12p13.32.
Variant type: single nucleotide variant.
Coding change: c.559C>G on transcript NM_001759.4 (MANE Select); coding-DNA position 559, C replaced by G.
Protein change: p.Leu187Val; replaces leucine 187 with valine.
Molecular consequence: missense variant.
Genome position (GRCh38, 1-based): chr12:4,278,907, C>G. VCF-style: chr12-4278907-C-G. GRCh37 (hg19) VCF-style: chr12-4388073-C-G.
Other names: short protein forms L187V.
Identifiers: ClinVar variation 1805679 (VCV001805679.1), dbSNP rs751104155, ClinGen allele CA383662690.

ClinVar aggregate classification (germline): Uncertain significance (1 of 4 stars; one submission).

Conditions:
Megalencephaly-polymicrogyria-polydactyly-hydrocephalus syndrome 3 (MPPH3). Identifiers: Orphanet 83473, MedGen C4014742, MONDO:0014408, OMIM 615938.

gnomAD v4.1: 1 of 1,612,648 alleles (0.000062%); highest among the groups gnomAD compares: Non-Finnish European, 0.000085%; no homozygotes.

Submission:

Victorian Clinical Genetics Services, Murdoch Childrens Research Institute
Classification: Uncertain significance for Megalencephaly-polymicrogyria-polydactyly-hydrocephalus syndrome 3. Last evaluated: 2019-08-28. Review status: criteria provided, single submitter. Criteria: ACMG Guidelines, 2015. Collection method: clinical testing. Allele origin: germline. Inheritance: Autosomal dominant inheritance.
Comment: A heterozygous missense variant was identified, NM_001759.3(CCND2):c.559C>G in exon 3 of 5 of the CCND2 gene. This substitution is predicted to create a minor amino acid change from leucine to valine at position 187 of the protein, NP_001750.1(CCND2):p.(Leu187Val). The leucine at this position has high conservation (100 vertebrates, UCSC), and is located within the Cyclin, C-terminal functional domain. In silico software predicts this variant to be disease causing (Polyphen, SIFT, CADD, Mutation Taster). The variant is not present in the gnomAD population database. This variant has not been previously reported in clinical cases. Based on information available at the time of curation, this variant has been classified as a VARIANT of UNCERTAIN SIGNIFICANCE (VUS).